The following is an entry in ClinVar:

NC_000002.11:g.(?_165946660)_(167108415_?)del

Genes: CSRNP3 (cysteine and serine rich nuclear protein 3; plus strand), GALNT3 (polypeptide N-acetylgalactosaminyltransferase 3; minus strand), SCN1A (sodium voltage-gated channel alpha subunit 1; minus strand), SCN2A (sodium voltage-gated channel alpha subunit 2; plus strand), SCN3A (sodium voltage-gated channel alpha subunit 3; minus strand) and 2 more. Cytogenetic location: 2q24.3.
Variant type: Deletion.
Identifiers: ClinVar variation 2424587 (VCV002424587.3).

ClinVar aggregate classification (germline): Pathogenic (1 of 4 stars; one submission).

Conditions:
Neuropathy, hereditary sensory and autonomic, type 2A (HSAN2A). Also called: ACROOSTEOLYSIS, GIACCAI TYPE; ACROOSTEOLYSIS, NEUROGENIC; MORVAN DISEASE; NEUROPATHY, CONGENITAL SENSORY; NEUROPATHY, HEREDITARY SENSORY RADICULAR, AUTOSOMAL RECESSIVE; NEUROPATHY, HEREDITARY SENSORY, TYPE IIA. Identifiers: Orphanet 970, MedGen C2752089, MONDO:0024309, OMIM 201300.
Generalized epilepsy with febrile seizures plus, type 7 (GEFSP7). Also called: GEFS+, TYPE 7. Identifiers: Orphanet 36387, MedGen C2751778, MONDO:0013470, OMIM 613863.

Submission:

Labcorp Genetics (formerly Invitae), Labcorp
Classification: Pathogenic for Neuropathy, hereditary sensory and autonomic, type 2A; Generalized epilepsy with febrile seizures plus, type 7. Last evaluated: 2022-05-09. Review status: criteria provided, single submitter. Criteria: Invitae Variant Classification Sherloc (09022015). Collection method: clinical testing. Allele origin: germline.
Comment: This variant is a gross deletion of the genomic region encompassing exon(s) 18-27 of the SCN9A gene, which includes the termination codon. This deletion extends beyond the assayed region for this gene and therefore may encompass additional genes. While this deletion is not anticipated to lead to nonsense mediated decay, it is expected to alter mRNA translation or result in a truncated protein product. This variant has not been reported in the literature in individuals affected with SCN9A-related conditions. This variant disrupts a region of the SCN9A protein in which other variant(s) (p.Glu1773Glyfs*14) have been determined to be pathogenic (PMID: 25253744). This suggests that this is a clinically significant region of the protein, and that variants that disrupt it are likely to be disease-causing. For these reasons, this variant has been classified as Pathogenic.

Literature cited by the submitters: PubMed 25253744.